The following is an entry in ClinVar:

ClinVar aggregate classification (germline): Uncertain significance (1 of 4 stars; one submission).

Conditions:
Methylcobalamin deficiency type cblE (HMAE). Also called: VITAMIN B12-RESPONSIVE HOMOCYSTINURIA, cblE TYPE; HOMOCYSTINURIA-MEGALOBLASTIC ANEMIA, cblE TYPE; HOMOCYSTINURIA-MEGALOBLASTIC ANEMIA, cblE COMPLEMENTATION TYPE. Identifiers: Orphanet 2169, Orphanet 622, MedGen C1856057, MONDO:0009354, OMIM 236270.

Submission:

Labcorp Genetics (formerly Invitae), Labcorp
Classification: Uncertain significance for Methylcobalamin deficiency type cblE. Last evaluated: 2022-08-17. Review status: criteria provided, single submitter. Criteria: Invitae Variant Classification Sherloc (09022015). Collection method: clinical testing. Allele origin: germline.
Comment: This sequence change replaces histidine, which is basic and polar, with aspartic acid, which is acidic and polar, at codon 339 of the MTRR protein (p.His339Asp). This variant is not present in population databases (gnomAD no frequency). This variant has not been reported in the literature in individuals affected with MTRR-related conditions. Algorithms developed to predict the effect of missense changes on protein structure and function (SIFT, PolyPhen-2, Align-GVGD) all suggest that this variant is likely to be tolerated. In summary, the available evidence is currently insufficient to determine the role of this variant in disease. Therefore, it has been classified as a Variant of Uncertain Significance.

NM_002454.3(MTRR):c.1015C>G (p.His339Asp)

Gene: MTRR (5-methyltetrahydrofolate-homocysteine methyltransferase reductase; plus strand). Cytogenetic location: 5p15.31.
Variant type: single nucleotide variant.
Coding change: c.1015C>G on transcript NM_002454.3 (MANE Select); coding-DNA position 1015, C replaced by G.
Protein change: p.His339Asp; replaces histidine 339 with aspartic acid.
Molecular consequence: missense variant. On other transcripts: non-coding transcript variant (14).
Genome position (GRCh38, 1-based): chr5:7,885,812, C>G. VCF-style: chr5-7885812-C-G. GRCh37 (hg19) VCF-style: chr5-7885925-C-G.
Other names: c.1015C>G, p.His339Asp (NM_001364440.2, NM_001364441.2, NM_001364442.2 and 1 more transcripts); short protein forms H339D.
Identifiers: ClinVar variation 1716619 (VCV001716619.3), dbSNP rs1736326408, ClinGen allele CA359157979.
Genomic context (GRCh38, chr5:7,885,812, plus strand): 5'-AACAGTGATTCTGAGGTACAAAGCCTACTCCAAAGACTGCAGCTTGAAGATAAAAGAGAG[C>G]ACTGCGTCCTTTTGAAAATAAAGGCAGACACAAAGAAGAAAGGTAACAGCCCTGATGCTG-3'
Protein context (NP_002445.2, residues 329-349): QRLQLEDKRE[His339Asp]CVLLKIKADT